The following is an entry in ClinVar:

ClinVar aggregate classification (germline): Uncertain significance. Review status: criteria provided, multiple submitters, no conflicts (2 of 4 stars). 7 submissions from 7 submitters: Uncertain significance (6). 1 of the submissions does not count toward it. Last evaluated 2025-08-07.

Conditions:
Inborn genetic diseases. Identifiers: MedGen C0950123, MeSH D030342.
Renal tubular acidosis with progressive nerve deafness. Also called: renal tubular acidosis, distal, 2, with progressive sensorineural hearing loss; Distal Renal Tubular Acidosis with Progressive Sensorineural Deafness; RENAL TUBULAR ACIDOSIS, AUTOSOMAL RECESSIVE, WITH PROGRESSIVE NERVE DEAFNESS; RTA WITH PROGRESSIVE NERVE DEAFNESS. Identifiers: MedGen C0403554, MONDO:0009968, OMIM 267300.

Allele frequency attached by ClinVar (database versions not stated): gnomAD exomes 0.00006; TOPMed 0.00006; ExAC 0.00008; ESP Exome Variant Server 0.00008; gnomAD 0.00011.
gnomAD v4.1: 81 of 1,614,112 alleles (0.005%); highest among the groups gnomAD compares: East Asian, 0.0067%; no homozygotes.

Submissions (7):

Ambry Genetics
Classification: Uncertain significance for Inborn genetic diseases. Last evaluated: 2025-08-07. Review status: criteria provided, single submitter. Criteria: Ambry Variant Classification Scheme 2023. Collection method: clinical testing. Allele origin: germline.

Blueprint Genetics
Classification: Uncertain significance. Last evaluated: 2024-05-27. Review status: criteria provided, single submitter. Criteria: ACMG Guidelines, 2015. Collection method: clinical testing. Allele origin: germline.

Labcorp Genetics (formerly Invitae), Labcorp
Classification: Uncertain significance. Last evaluated: 2022-07-15. Review status: criteria provided, single submitter. Criteria: Invitae Variant Classification Sherloc (09022015). Collection method: clinical testing. Allele origin: germline.
Comment: This sequence change replaces alanine, which is neutral and non-polar, with valine, which is neutral and non-polar, at codon 141 of the ATP6V1B1 protein (p.Ala141Val). This variant is present in population databases (rs372842500, gnomAD 0.02%). This variant has not been reported in the literature in individuals affected with ATP6V1B1-related conditions. ClinVar contains an entry for this variant (Variation ID: 504550). Algorithms developed to predict the effect of missense changes on protein structure and function are either unavailable or do not agree on the potential impact of this missense change (SIFT: "Deleterious"; PolyPhen-2: "Benign"; Align-GVGD: "Class C0"). In summary, the available evidence is currently insufficient to determine the role of this variant in disease. Therefore, it has been classified as a Variant of Uncertain Significance.

Fulgent Genetics
Classification: Uncertain significance for Renal tubular acidosis with progressive nerve deafness. Last evaluated: 2022-01-28. Review status: criteria provided, single submitter. Criteria: ACMG Guidelines, 2015. Collection method: clinical testing. Allele origin: unknown.

GeneDx
Classification: Uncertain significance. Last evaluated: 2021-06-28. Review status: criteria provided, single submitter. Criteria: GeneDx Variant Classification Process June 2021. Collection method: clinical testing. Allele origin: germline. Affected: yes.
Comment: In silico analysis supports that this missense variant has a deleterious effect on protein structure/function; Has not been previously published as pathogenic or benign to our knowledge; This variant is associated with the following publications: (PMID: 27535533)

Laboratory for Molecular Medicine, Mass General Brigham Personalized Medicine
Classification: Uncertain significance. Last evaluated: 2016-06-02. Review status: criteria provided, single submitter. Criteria: LMM Criteria. Collection method: clinical testing. Allele origin: germline. Observed: 1 variant allele.
Comment: The p.Ala141Val variant in ATP6V1B1 has not been previously reported in individu als with hearing loss. This variant has been identified in 2/8650 of East Asian chromosomes and in 8/66542 European chromosomes by the Exome Aggregation Consort ium (ExAC; dbSNP rs372842500). Although this va riant has been seen in the general population, its frequency is not high enough to rule out a pathogenic role. Computational prediction tools and conservation a nalyses do not provide strong support for or against an impact to the protein. I n summary, the clinical significance of the p.Ala141Val variant is uncertain.

Natera, Inc.
Classification: Uncertain significance for Renal tubular acidosis with progressive nerve deafness. Last evaluated: 2020-03-09. Review status: no assertion criteria provided. Collection method: clinical testing. Allele origin: germline. Not counted in ClinVar's aggregate classification.

NM_001692.4(ATP6V1B1):c.422C>T (p.Ala141Val)

Gene: ATP6V1B1 (ATPase H+ transporting V1 subunit B1; plus strand). Cytogenetic location: 2p13.3.
Variant type: single nucleotide variant.
Coding change: c.422C>T on transcript NM_001692.4 (MANE Select); coding-DNA position 422, C replaced by T.
Protein change: p.Ala141Val; replaces alanine 141 with valine.
Molecular consequence: missense variant.
Genome position (GRCh38, 1-based): chr2:70,959,072, C>T. VCF-style: chr2-70959072-C-T. GRCh37 (hg19) VCF-style: chr2-71186202-C-T.
Other names: short protein forms A141V.
Identifiers: ClinVar variation 504550 (VCV000504550.12), dbSNP rs372842500, ClinGen allele CA1701040.